The following is an entry in ClinVar:

ClinVar aggregate classification (germline): Uncertain significance (1 of 4 stars; one submission).

Conditions:
Fanconi anemia (FA). Also called: Fanconi's anemia. Identifiers: Orphanet 84, MedGen C0015625, MeSH D005199, MONDO:0019391.

Allele frequency attached by ClinVar (database versions not stated): gnomAD exomes 0.00001; TOPMed below 0.00001; ExAC 0.00001.
gnomAD v4.1: 21 of 1,614,042 alleles (0.0013%); highest among the groups gnomAD compares: Non-Finnish European, 0.0014%; no homozygotes.

Submission:

Labcorp Genetics (formerly Invitae), Labcorp
Classification: Uncertain significance for Fanconi anemia. Last evaluated: 2020-08-20. Review status: criteria provided, single submitter. Criteria: Invitae Variant Classification Sherloc (09022015). Collection method: clinical testing. Allele origin: germline.
Comment: In summary, the available evidence is currently insufficient to determine the role of this variant in disease. Therefore, it has been classified as a Variant of Uncertain Significance. Algorithms developed to predict the effect of missense changes on protein structure and function output the following: SIFT: "Tolerated"; PolyPhen-2: "Benign"; Align-GVGD: "Class C0". The arginine amino acid residue is found in multiple mammalian species, suggesting that this missense change does not adversely affect protein function. These predictions have not been confirmed by published functional studies and their clinical significance is uncertain. This variant has not been reported in the literature in individuals with FANCF-related conditions. This variant is present in population databases (rs756488831, ExAC 0.002%). This sequence change replaces glutamine with arginine at codon 84 of the FANCF protein (p.Gln84Arg). The glutamine residue is weakly conserved and there is a small physicochemical difference between glutamine and arginine.

NM_022725.4(FANCF):c.251A>G (p.Gln84Arg)

Gene: FANCF (FA complementation group F; minus strand). Cytogenetic location: 11p14.3.
Variant type: single nucleotide variant.
Coding change: c.251A>G on transcript NM_022725.4 (MANE Select); coding-DNA position 251, A replaced by G.
Protein change: p.Gln84Arg; replaces glutamine 84 with arginine.
Molecular consequence: missense variant.
Genome position (GRCh38, 1-based): chr11:22,625,560, T>C on the plus strand (A>G on the coding strand, the complement: FANCF is on the minus strand). VCF-style: chr11-22625560-T-C. GRCh37 (hg19) VCF-style: chr11-22647106-T-C.
Other names: short protein forms Q84R.
Identifiers: ClinVar variation 1022400 (VCV001022400.7), dbSNP rs756488831, ClinGen allele CA5924389.